The following is an entry in ClinVar:

ClinVar aggregate classification (germline): Uncertain significance (1 of 4 stars; one submission).

Allele frequency attached by ClinVar (database versions not stated): gnomAD exomes below 0.00001; gnomAD 0.00001; TOPMed 0.00002; ESP Exome Variant Server 0.00008.
gnomAD v4.1: 6 of 1,614,088 alleles (0.00037%); highest among the groups gnomAD compares: African/African-American, 0.008%; no homozygotes.

Submission:

Labcorp Genetics (formerly Invitae), Labcorp
Classification: Uncertain significance. Last evaluated: 2023-12-02. Review status: criteria provided, single submitter. Criteria: Invitae Variant Classification Sherloc (09022015). Collection method: clinical testing. Allele origin: germline.
Comment: This sequence change replaces threonine, which is neutral and polar, with alanine, which is neutral and non-polar, at codon 2070 of the ABCA4 protein (p.Thr2070Ala). This variant is present in population databases (rs151212933, gnomAD 0.007%). This variant has not been reported in the literature in individuals affected with ABCA4-related conditions. ClinVar contains an entry for this variant (Variation ID: 1488280). Advanced modeling of protein sequence and biophysical properties (such as structural, functional, and spatial information, amino acid conservation, physicochemical variation, residue mobility, and thermodynamic stability) performed at Invitae indicates that this missense variant is expected to disrupt ABCA4 protein function with a positive predictive value of 80%. In summary, the available evidence is currently insufficient to determine the role of this variant in disease. Therefore, it has been classified as a Variant of Uncertain Significance.

NM_000350.3(ABCA4):c.6208A>G (p.Thr2070Ala)

Gene: ABCA4 (ATP binding cassette subfamily A member 4; minus strand). Cytogenetic location: 1p22.1.
Variant type: single nucleotide variant.
Coding change: c.6208A>G on transcript NM_000350.3 (MANE Select); coding-DNA position 6208, A replaced by G.
Protein change: p.Thr2070Ala; replaces threonine 2070 with alanine.
Molecular consequence: missense variant.
Genome position (GRCh38, 1-based): chr1:94,001,932, T>C on the plus strand (A>G on the coding strand, the complement: ABCA4 is on the minus strand). VCF-style: chr1-94001932-T-C. GRCh37 (hg19) VCF-style: chr1-94467488-T-C.
Other names: c.5986A>G, p.Thr1996Ala (NM_001425324.1); short protein forms T2070A, T1996A.
Identifiers: ClinVar variation 1488280 (VCV001488280.8), dbSNP rs151212933, ClinGen allele CA26832622.